The following is an entry in ClinVar:

ClinVar aggregate classification (germline): Uncertain significance (1 of 4 stars; one submission).

Submission:

Labcorp Genetics (formerly Invitae), Labcorp
Classification: Uncertain significance. Last evaluated: 2022-07-17. Review status: criteria provided, single submitter. Criteria: Invitae Variant Classification Sherloc (09022015). Collection method: clinical testing. Allele origin: germline.
Comment: This sequence change replaces aspartic acid, which is acidic and polar, with asparagine, which is neutral and polar, at codon 613 of the SLC9A3 protein (p.Asp613Asn). This variant is not present in population databases (gnomAD no frequency). This variant has not been reported in the literature in individuals affected with SLC9A3-related conditions. Algorithms developed to predict the effect of missense changes on protein structure and function are either unavailable or do not agree on the potential impact of this missense change (SIFT: "Not Available"; PolyPhen-2: "Possibly Damaging"; Align-GVGD: "Not Available"). In summary, the available evidence is currently insufficient to determine the role of this variant in disease. Therefore, it has been classified as a Variant of Uncertain Significance.

NM_004174.4(SLC9A3):c.1837G>A (p.Asp613Asn)

Genes: SLC9A3 (solute carrier family 9 member A3), SLC9A3-AS1 (SLC9A3 antisense RNA 1; plus strand). Cytogenetic location: 5p15.33.
Variant type: single nucleotide variant.
Coding change: c.1837G>A on transcript NM_004174.4 (MANE Select); coding-DNA position 1837, G replaced by A.
Protein change: p.Asp613Asn; replaces aspartic acid 613 with asparagine.
Molecular consequence: missense variant.
Genome position (GRCh38, 1-based): chr5:476,596, C>T on the plus strand (G>A on the coding strand, the complement: SLC9A3 is on the minus strand). VCF-style: chr5-476596-C-T. GRCh37 (hg19) VCF-style: chr5-476711-C-T.
Other names: c.1810G>A, p.Asp604Asn (NM_001284351.3); short protein forms D604N, D613N.
Identifiers: ClinVar variation 2133871 (VCV002133871.1), dbSNP rs2477542788, ClinGen allele CA359025914.